The following is an entry in ClinVar:

NM_001943.5(DSG2):c.1003A>G (p.Thr335Ala)

Genes: DSC2 (desmocollin 2; minus strand), DSG2 (desmoglein 2; plus strand). Cytogenetic location: 18q12.1.
Variant type: single nucleotide variant.
Coding change: c.1003A>G on transcript NM_001943.5 (MANE Select); coding-DNA position 1003, A replaced by G.
Protein change: p.Thr335Ala; replaces threonine 335 with alanine.
Molecular consequence: missense variant.
Genome position (GRCh38, 1-based): chr18:31,524,877, A>G. VCF-style: chr18-31524877-A-G. GRCh37 (hg19) VCF-style: chr18-29104840-A-G.
Other names: p.T335A:ACC>GCC; short protein forms T335A.
Identifiers: ClinVar variation 44278 (VCV000044278.104), dbSNP rs191564916, ClinGen allele CA021231.

ClinVar aggregate classification (germline): Conflicting classifications of pathogenicity. Review status: criteria provided, conflicting classifications (1 of 4 stars). 22 submissions from 22 submitters: Pathogenic (1); Uncertain significance (14); Likely benign (6). 1 of the submissions does not count toward it. Last evaluated 2026-10-01.

Conditions:
DSG2-related disorders.
Cardiovascular phenotype. Identifiers: MedGen CN230736.
Dilated cardiomyopathy 1BB (CMD1BB). Also called: CARDIOMYOPATHY, DILATED, 1BB, SUSCEPTIBILITY TO. Identifiers: Orphanet 154, MedGen C2752072, MONDO:0013030, OMIM 612877.
Arrhythmogenic right ventricular dysplasia 10. Also called: Arrhythmogenic right ventricular dysplasia/cardiomyopathy, type 10; Arrhythmogenic Right Ventricular Dysplasia/Cardiomyopathy10; ARRHYTHMOGENIC RIGHT VENTRICULAR DYSPLASIA, FAMILIAL, 10. Identifiers: MedGen C1857777, MONDO:0012434, OMIM 610193.
Arrhythmogenic right ventricular cardiomyopathy (ARVD). Also called: Arrhythmogenic Right Ventricular Cardiomyopathy (ARVC); Cardiomyopathy, ARVC; Arrhythmogenic right ventricular dysplasia; Arrhythmogenic cardiomyopathy. Identifiers: Orphanet 247, MedGen C0349788, MeSH D019571, MONDO:0016587. Disease mechanism: loss of function. Inheritance: Various modes of inheritance.
Cardiomyopathy (CMYO). Also called: Cardiomyopathies. Identifiers: Orphanet 167848, MedGen C0878544, MONDO:0004994, HP:0001638. Inheritance: Various modes of inheritance.

Allele frequency attached by ClinVar (database versions not stated): ESP Exome Variant Server 0.00042; gnomAD exomes 0.00052 and 0.00071; ExAC 0.00056; gnomAD 0.00057 and 0.00060; 1000 Genomes Project 0.00020; 1000 Genomes Project 30x 0.00031; TOPMed 0.00063.
gnomAD v4.1: 1,121 of 1,614,166 alleles (0.069%); highest among the groups gnomAD compares: Non-Finnish European, 0.082%; no homozygotes.

Submissions 1 to 8 of 22:

GeneDx
Classification: Uncertain significance. Last evaluated: 2026-10-01. Review status: criteria provided, single submitter. Criteria: GeneDx Variant Classification Process June 2021. Collection method: clinical testing. Allele origin: germline.
Comment: Reported in multiple heterozygous individuals in association with ARVD/C, dilated cardiomyopathy (DCM), hypertrophic cardiomyopathy (HCM), Brugada syndrome and sudden unexplained death (PMID: 21553091, 20864495, 20031617, 21859740, 21636032, 24503780, 21606390, 23381804, 25445213, 26230511, 27194543, 27930701, 40915048); In silico analysis supports that this missense variant does not alter protein structure/function; This variant is associated with the following publications: (PMID: 26230511, 23871885, 33968641, 33232181, 33673806, 33652588, 32917565, 33919104, 23861362, 23299917, 24585727, 20864495, 20857253, 20152563, 21859740, 21553091, 21606396, 21636032, 23810894, 24503780, 24704780, 21606390, 27194543, 25445213, 27930701, 28341588, 28818065, 37937776, 30790397, 29802319, 29606362, 31712859, 31737537, 31402444, Bueno-Beti2022, 35061126, 28255936, 23871674, 32746448, 34758253, 35653365, 35712781, 36139162, 20031617, 23381804, 36175056, 34400560, 26585103, 39486665, 37510372, 40915048, 41652012)

CeGaT Center for Human Genetics Tuebingen
Classification: Likely benign. Last evaluated: 2026-07-01. Review status: criteria provided, single submitter. Criteria: CeGaT Center For Human Genetics Tuebingen Variant Classification Criteria Version 2. Collection method: clinical testing. Allele origin: germline. Affected: yes. Observed: 2 variant alleles.
Comment: DSG2: BP4

Women's Health and Genetics/Laboratory Corporation of America, LabCorp
Classification: Uncertain significance. Last evaluated: 2026-03-23. Review status: criteria provided, single submitter. Criteria: LabCorp Variant Classification Summary - May 2015. Collection method: clinical testing. Allele origin: germline.
Comment: Variant summary: DSG2 c.1003A>G (p.Thr335Ala) results in a non-conservative amino acid change located in the Cadherin like domain (IPR002126) of the encoded protein sequence. Algorithms developed to predict the effect of missense changes on protein structure and function are either unavailable or do not agree on the potential impact of this missense change. The variant allele was found at a frequency of 0.00051 in 254132 control chromosomes. The observed variant frequency exceeds the estimated maximal expected allele frequency for disease-causing variants in DSG2. c.1003A>G has been observed in individuals affected with Arrhythmogenic Right Ventricular Dysplasia/Cardiomyopathy (denHaan_2009, Xu_2010, Christensen_2010, Tan_2010, Cox_2011, Garcia-Pavia_2011, Quarta_2011, Rasmussen_2013, teRiele_2013, Iglesias_2021, Hathaway_2021), however without strong evidence for causality (lack of co-segregation data, lack of segregation with disease in some families, or co-occurrence with pathogenic variants in other ARVC-associated genes). However, the variant has also been reported in the homozygous state in several ARVC patients (Groeneweg_2013, Rasmussen_2013, Hermida_2019, Qadri_2017), and the variant was shown to segregate with disease and displayed complete penetrance in an autosomal recessive inheritance pattern in five homozygotes from one family (Qadri_2017). These reports do not provide unequivocal conclusions about association of the variant with autosomal dominant Arrhythmogenic Right Ventricular Dysplasia/Cardiomyopathy, but suggest the variant may be associated with recessive disease. Several co-occurrences with other pathogenic variants have been reported in heterozygous individuals in the literature and observed in our own laboratory (ARVD, PKP2 c.145_148delCAGA, p.Thr50fs; PKP2 c.235C>T, p.Arg79* in the literature; LQT1, KCNQ1 c.1075C>T, p.Q359* via internal testing), providing supporting evidence for a benign role. At least one publication reporting experimental evidence evaluating an impact on protein function was ascertained, however, it does not allow convincing conclusions about the variant effect while reporting that the altered protein was expressed and incorporated into desmosomes (Rasmussen_2013). The following publications have been ascertained in the context of this evaluation (PMID: 23299917, 20864495, 21606396, 21859740, 23871674, 33673806, 30790397, 33919104, 23861362, 28818065, 21606390, 23381804, 20857253, 20152563, 20031617, 23810894). ClinVar contains an entry for this variant (Variation ID: 44278). Based on the evidence outlined above, the variant was classified as uncertain significance.

Labcorp Genetics (formerly Invitae), Labcorp
Classification: Uncertain significance for Arrhythmogenic right ventricular dysplasia 10. Last evaluated: 2026-02-03. Review status: criteria provided, single submitter. Criteria: Invitae Variant Classification Sherloc (09022015). Collection method: clinical testing. Allele origin: germline.
Comment: This sequence change replaces threonine, which is neutral and polar, with alanine, which is neutral and non-polar, at codon 335 of the DSG2 protein (p.Thr335Ala). This variant is present in population databases (rs191564916, gnomAD 0.1%), and has an allele count higher than expected for a pathogenic variant. This missense change has been observed in individual(s) with arrhythmogenic right ventricular cardiomyopathy or dilated cardiomyopathy (PMID: 20031617, 20152563, 20864495, 21606390, 21636032, 23381804, 23871674, 24704780, 25445213, 28818065, 30790397). It has also been observed to segregate with disease in related individuals. ClinVar contains an entry for this variant (Variation ID: 44278). Invitae Evidence Modeling of protein sequence and biophysical properties (such as structural, functional, and spatial information, amino acid conservation, physicochemical variation, residue mobility, and thermodynamic stability) has been performed for this missense variant. However, the output from this modeling did not meet the statistical confidence thresholds required to predict the impact of this variant on DSG2 protein function. In summary, the available evidence is currently insufficient to determine the role of this variant in disease. Therefore, it has been classified as a Variant of Uncertain Significance.

Molecular Diagnostic Laboratory for Inherited Cardiovascular Disease, Montreal Heart Institute
Classification: Uncertain significance for Cardiovascular phenotype. Last evaluated: 2025-04-08. Review status: criteria provided, single submitter. Criteria: ACMG Guidelines, 2015. Collection method: clinical testing. Allele origin: germline. Affected: yes.
Comment: PS4, PM1, BS1, BP4, BP5

Mayo Clinic Laboratories, Mayo Clinic
Classification: Uncertain significance. Last evaluated: 2025-03-27. Review status: criteria provided, single submitter. Criteria: ACMG Guidelines, 2015. Collection method: clinical testing. Allele origin: germline. Observed: 2 variant alleles.
Comment: BS1, BP4, PP1, PM3, PS4_supporting

Institute of Medical Genetics and Applied Genomics, University Hospital Tübingen
Classification: Uncertain significance for Arrhythmogenic right ventricular cardiomyopathy. Last evaluated: 2024-12-05. Review status: criteria provided, single submitter. Criteria: ACMG Guidelines, 2015. Collection method: clinical testing. Allele origin: germline. Affected: yes. Clinical features observed: Cardiomyopathy (HP:0001638), Right ventricular cardiomyopathy (HP:0011663), Muscle weakness (HP:0001324).
Comment: assumed homozygous in two cases (one w cardiomyopathy, one w muscle weakness)

Blueprint Genetics
Classification: Pathogenic for DSG2-related disorders. Last evaluated: 2024-11-19. Review status: criteria provided, single submitter. Criteria: ACMG Guidelines, 2015. Collection method: clinical testing. Allele origin: germline. Affected: yes. Observed: 5 variant alleles.